The following is an entry in ClinVar:

ClinVar aggregate classification (germline): Uncertain significance. Review status: criteria provided, multiple submitters, no conflicts (2 of 4 stars). 2 submissions from 2 submitters: Uncertain significance (2). Last evaluated 2024-10-21.

Conditions:
Hereditary cancer-predisposing syndrome. Also called: Neoplastic Syndromes, Hereditary; Tumor predisposition; Hereditary Cancer Syndrome; Hereditary neoplastic syndrome. Identifiers: Orphanet 140162, MedGen C0027672, MeSH D009386, MONDO:0015356.
Familial cancer of breast. Also called: BREAST CANCER, FAMILIAL; Hereditary breast cancer; hereditary breast carcinoma. Identifiers: Orphanet 227535, MedGen C0346153, MONDO:0016419, OMIM 114480. Disease mechanism: loss of function.

Allele frequency attached by ClinVar (database versions not stated): gnomAD exomes below 0.00001.
gnomAD v4.1: 2 of 1,614,172 alleles (0.00012%); highest among the groups gnomAD compares: Middle Eastern, 0.016%; no homozygotes.

Submissions (2):

Ambry Genetics
Classification: Uncertain significance for Hereditary cancer-predisposing syndrome. Last evaluated: 2024-10-21. Review status: criteria provided, single submitter. Criteria: Ambry Variant Classification Scheme 2023. Collection method: clinical testing. Allele origin: germline.
Comment: The p.T696A variant (also known as c.2086A>G), located in coding exon 5 of the PALB2 gene, results from an A to G substitution at nucleotide position 2086. The threonine at codon 696 is replaced by alanine, an amino acid with similar properties. This amino acid position is poorly conserved in available vertebrate species. In addition, this alteration is predicted to be tolerated by in silico analysis. Since supporting evidence is limited at this time, the clinical significance of this alteration remains unclear.

Baylor Genetics
Classification: Uncertain significance for Familial cancer of breast. Last evaluated: 2023-08-01. Review status: criteria provided, single submitter. Criteria: ACMG Guidelines, 2015. Collection method: clinical testing. Allele origin: unknown.

NM_024675.4(PALB2):c.2086A>G (p.Thr696Ala)

Gene: PALB2 (partner and localizer of BRCA2; minus strand). Cytogenetic location: 16p12.2.
Variant type: single nucleotide variant.
Coding change: c.2086A>G on transcript NM_024675.4 (MANE Select); coding-DNA position 2086, A replaced by G.
Protein change: p.Thr696Ala; replaces threonine 696 with alanine.
Molecular consequence: missense variant.
Genome position (GRCh38, 1-based): chr16:23,630,068, T>C on the plus strand (A>G on the coding strand, the complement: PALB2 is on the minus strand). VCF-style: chr16-23630068-T-C. GRCh37 (hg19) VCF-style: chr16-23641389-T-C.
Other names: short protein forms T696A.
Identifiers: ClinVar variation 820686 (VCV000820686.6), dbSNP rs1195275297, ClinGen allele CA395125832.